The following is an entry in ClinVar:

NM_016599.5(MYOZ2):c.461A>G (p.Gln154Arg)

Gene: MYOZ2 (myozenin 2; plus strand). Cytogenetic location: 4q26.
Variant type: single nucleotide variant.
Coding change: c.461A>G on transcript NM_016599.5 (MANE Select); coding-DNA position 461, A replaced by G.
Protein change: p.Gln154Arg; replaces glutamine 154 with arginine.
Molecular consequence: missense variant.
Genome position (GRCh38, 1-based): chr4:119,164,295, A>G. VCF-style: chr4-119164295-A-G. GRCh37 (hg19) VCF-style: chr4-120085450-A-G.
Other names: short protein forms Q154R.
Identifiers: ClinVar variation 3298113 (VCV003298113.1).

ClinVar aggregate classification (germline): Uncertain significance (1 of 4 stars; one submission).

Conditions:
Cardiovascular phenotype. Identifiers: MedGen CN230736.

Submission:

Ambry Genetics
Classification: Uncertain significance for Cardiovascular phenotype. Last evaluated: 2024-05-02. Review status: criteria provided, single submitter. Criteria: Ambry Variant Classification Scheme 2023. Collection method: clinical testing. Allele origin: germline.
Comment: The p.Q154R variant (also known as c.461A>G), located in coding exon 4 of the MYOZ2 gene, results from an A to G substitution at nucleotide position 461. The glutamine at codon 154 is replaced by arginine, an amino acid with highly similar properties. This amino acid position is conserved. In addition, this alteration is predicted to be tolerated by in silico analysis. Based on the available evidence, the clinical significance of this variant remains unclear.